The following is an entry in ClinVar:

ClinVar aggregate classification (germline): Uncertain significance (1 of 4 stars; one submission).

Submission:

GeneDx
Classification: Uncertain significance. Last evaluated: 2022-10-17. Review status: criteria provided, single submitter. Criteria: GeneDx Variant Classification Process June 2021. Collection method: clinical testing. Allele origin: germline. Affected: yes.
Comment: Not observed at significant frequency in large population cohorts (gnomAD); In silico analysis supports that this missense variant does not alter protein structure/function; Has not been previously published as pathogenic or benign to our knowledge

NM_002609.4(PDGFRB):c.2996G>C (p.Arg999Pro)

Gene: PDGFRB (platelet derived growth factor receptor beta; minus strand). Cytogenetic location: 5q32.
Variant type: single nucleotide variant.
Coding change: c.2996G>C on transcript NM_002609.4 (MANE Select); coding-DNA position 2996, G replaced by C.
Protein change: p.Arg999Pro; replaces arginine 999 with proline.
Molecular consequence: missense variant.
Genome position (GRCh38, 1-based): chr5:150,117,759, C>G on the plus strand (G>C on the coding strand, the complement: PDGFRB is on the minus strand). VCF-style: chr5-150117759-C-G. GRCh37 (hg19) VCF-style: chr5-149497322-C-G.
Other names: c.2804G>C, p.Arg935Pro (NM_001355016.2); c.2513G>C, p.Arg838Pro (NM_001355017.2); short protein forms R838P, R935P, R999P.
Identifiers: ClinVar variation 2499379 (VCV002499379.1), dbSNP rs987244289, ClinGen allele CA361755699.